The following is an entry in ClinVar:

NM_015466.4(PTPN23):c.2689C>T (p.Pro897Ser)

Gene: PTPN23 (protein tyrosine phosphatase non-receptor type 23; plus strand). Cytogenetic location: 3p21.31.
Variant type: single nucleotide variant.
Coding change: c.2689C>T on transcript NM_015466.4 (MANE Select); coding-DNA position 2689, C replaced by T.
Protein change: p.Pro897Ser; replaces proline 897 with serine.
Molecular consequence: missense variant.
Genome position (GRCh38, 1-based): chr3:47,410,487, C>T. VCF-style: chr3-47410487-C-T. GRCh37 (hg19) VCF-style: chr3-47451977-C-T.
Other names: c.2311C>T, p.Pro771Ser (NM_001304482.2); c.2689C>T (NM_015466.2); short protein forms P771S, P897S.
Identifiers: ClinVar variation 1370730 (VCV001370730.6), dbSNP rs375853008, ClinGen allele CA2366102.

ClinVar aggregate classification (germline): Uncertain significance. Review status: criteria provided, multiple submitters, no conflicts (2 of 4 stars). 3 submissions from 3 submitters: Uncertain significance (3). Last evaluated 2025-09-27.

Conditions:
Inborn genetic diseases. Identifiers: MedGen C0950123, MeSH D030342.

Allele frequency attached by ClinVar (database versions not stated): ExAC 0.00004; TOPMed 0.00004; gnomAD 0.00005 and 0.00004; ESP Exome Variant Server 0.00015; gnomAD exomes below 0.00001 and 0.00002.
gnomAD v4.1: 10 of 1,608,228 alleles (0.00062%); highest among the groups gnomAD compares: African/African-American, 0.011%; no homozygotes.

Submissions (3):

Ambry Genetics
Classification: Uncertain significance for Inborn genetic diseases. Last evaluated: 2025-09-27. Review status: criteria provided, single submitter. Criteria: Ambry Variant Classification Scheme 2023. Collection method: clinical testing. Allele origin: germline.

Women's Health and Genetics/Laboratory Corporation of America, LabCorp
Classification: Uncertain significance. Last evaluated: 2023-10-27. Review status: criteria provided, single submitter. Criteria: LabCorp Variant Classification Summary - May 2015. Collection method: clinical testing. Allele origin: germline.
Comment: Variant summary: PTPN23 c.2689C>T (p.Pro897Ser) results in a non-conservative amino acid change in the encoded protein sequence. Four of five in-silico tools predict a benign effect of the variant on protein function. The variant allele was found at a frequency of 2.1e-05 in 236224 control chromosomes. The available data on variant occurrences in the general population are insufficient to allow any conclusion about variant significance. To our knowledge, no occurrence of c.2689C>T in individuals affected with Neurodevelopmental Disorder And Structural Brain Anomalies With Or Without Seizures And Spasticity and no experimental evidence demonstrating its impact on protein function have been reported. One submitter has cited clinical-significance assessments for this variant to ClinVar after 2014 and has classified the variant as uncertain significance. Based on the evidence outlined above, the variant was classified as uncertain significance.

Labcorp Genetics (formerly Invitae), Labcorp
Classification: Uncertain significance. Last evaluated: 2022-07-12. Review status: criteria provided, single submitter. Criteria: Invitae Variant Classification Sherloc (09022015). Collection method: clinical testing. Allele origin: germline.
Comment: This sequence change replaces proline, which is neutral and non-polar, with serine, which is neutral and polar, at codon 897 of the PTPN23 protein (p.Pro897Ser). This variant is present in population databases (rs375853008, gnomAD 0.03%). This variant has not been reported in the literature in individuals affected with PTPN23-related conditions. ClinVar contains an entry for this variant (Variation ID: 1370730). Algorithms developed to predict the effect of missense changes on protein structure and function are either unavailable or do not agree on the potential impact of this missense change (SIFT: "Tolerated"; PolyPhen-2: "Not Available"; Align-GVGD: "Class C0"). In summary, the available evidence is currently insufficient to determine the role of this variant in disease. Therefore, it has been classified as a Variant of Uncertain Significance.